The following is an entry in ClinVar:

ClinVar aggregate classification (germline): Likely pathogenic (1 of 4 stars; one submission).

Conditions:
Sotos syndrome (SOTOS). Also called: CHROMOSOME 5q35 DELETION SYNDROME; CEREBRAL GIGANTISM; Sotos' syndrome; Distinctive facial appearance, overgrowth in childhood, and learning disabilities or delayed development; SOTOS SYNDROME 1. Identifiers: Orphanet 821, MedGen C0175695, MONDO:0019349, OMIM 117550.

Submission:

Centro Nacional de Genética Medica, Administración Nacional de Laboratorios e Institutos de Salud (ANLIS) “Dr. Carlos G Malbrán”
Classification: Likely pathogenic for Sotos syndrome. Last evaluated: 2026-06-08. Review status: criteria provided, single submitter. Criteria: ACMG Guidelines, 2015. Collection method: clinical testing. Allele origin: germline. Affected: yes. Observed: 1 variant allele.
Comment: This variant corresponds to a guanine-to-cytosine substitution within the coding sequence of exon 20 of 23 exons in the NSD1 gene. As a consequence, it is predicted to result in a missense change, replacing aspartic acid at position 2008 with histidine (p.Asp2008His). Aspartic acid is an acidic amino acid with a negatively charged side chain, whereas histidine is a basic amino acid whose side chain contains an imidazole ring and can carry a positive charge under physiological conditions. This variant is located within the SET domain (Pfam: PF00856; amino acids 1942–2059), a conserved domain present in lysine methyltransferases that mediates protein–protein interactions and constitutes the catalytic core of the NSD1 protein. The SET domain is responsible for histone methyltransferase activity, catalyzing the transfer of methyl groups from S-adenosyl-L-methionine (SAM) to specific lysine residues on histones, thereby regulating chromatin structure and gene expression. Multiple pathogenic and likely pathogenic missense variants within this domain have been reported in patients with Sotos syndrome (PMID: 27834868; PMID: 17565729; PMID: 15942875), supporting the functional importance of this region (PM1). The identified variant is absent from population databases such as gnomAD, ExAC, and the 1000 Genomes Project (PM2_Supporting). Most computational prediction tools classify this variant as deleterious, including AlphaMissense (1.00; Deleterious Strong), REVEL (0.95; Deleterious Strong), EVE (0.74; Deleterious), and BayesDel (0.55; Deleterious Strong). The combined prediction score is 0.99, supporting a damaging effect on protein function (PP3_Moderate). NSD1 exhibits low tolerance to missense variation, with a missense constraint Z-score of 5.8 in gnomAD v4.1.1. In addition, a large number of pathogenic missense variants (174) have been reported in this gene, supporting missense variation as a common disease-causing mechanism (PP2). The patient's phenotype is highly specific for Sotos syndrome, and the identified variant in NSD1 provides a plausible molecular explanation for the clinical presentation (PP4).

Literature cited by the submitters: PubMed 27834868; PubMed 17565729; PubMed 15942875.

NM_022455.5(NSD1):c.6022G>C (p.Asp2008His)

Gene: NSD1 (nuclear receptor binding SET domain protein 1; plus strand). Cytogenetic location: 5q35.3.
Variant type: single nucleotide variant.
Coding change: c.6022G>C on transcript NM_022455.5 (MANE Select); coding-DNA position 6022, G replaced by C.
Protein change: p.Asp2008His; replaces aspartic acid 2008 with histidine.
Molecular consequence: missense variant. On other transcripts: intron variant (1).
Genome position (GRCh38, 1-based): chr5:177,283,799, G>C. VCF-style: chr5-177283799-G-C. GRCh37 (hg19) VCF-style: chr5-176710800-G-C.
Other names: c.5149G>C, p.Asp1717His (NM_001365684.2, NM_001409308.1, NM_172349.5); c.6022G>C, p.Asp2008His (NM_001409301.1, NM_001409302.1, NM_001409303.1); c.5602G>C, p.Asp1868His (NM_001409304.1); c.5269G>C, p.Asp1757His (NM_001409305.1); c.5260G>C, p.Asp1754His (NM_001409306.1, NM_001409307.1); c.5136+1218G>C (NM_001409309.1); short protein forms D1717H, D1754H, D1757H, D1868H, D2008H.
Identifiers: ClinVar variation 4871700 (VCV004871700.1).